The following is an entry in ClinVar:

NM_001163435.3(TBCK):c.290_304dup (p.Leu101_Gln102insProPheGluValLeu)

Gene: TBCK (TBC1 domain containing kinase; minus strand). Cytogenetic location: 4q24.
Variant type: Duplication.
Coding change: c.290_304dup on transcript NM_001163435.3 (MANE Select); coding-DNA positions 290 to 304, 15 bases duplicated (CATTTGAGGTTCTTC).
Protein change: p.Leu101_Gln102insProPheGluValLeu.
Molecular consequence: inframe insertion. On other transcripts: 5 prime UTR variant (1), intron variant (1).
Genome position (GRCh38, 1-based): chr4:106,262,175-106,262,189, GAAGAACCTCAAATG duplicated on the plus strand (CATTTGAGGTTCTTC on the coding strand, the reverse complement: TBCK is on the minus strand). VCF-style (leftmost placement, unchanged base first): chr4-106262174-T-TGAAGAACCTCAAATG. GRCh37 (hg19) VCF-style: chr4-107183331-T-TGAAGAACCTCAAATG.
Other names: c.290_304dup, p.Leu101_Gln102insProPheGluValLeu (NM_001163436.4, NM_001163437.3); c.-328_-314dup (NM_001290768.2); c.267-10182_267-10168dup (NM_033115.5).
Identifiers: ClinVar variation 2693607 (VCV002693607.4), dbSNP rs2478444503, ClinGen allele CA2697546822.
Genomic context (GRCh38, chr4:106,262,174, plus strand): 5'-ATATTATGAGGAGACAATGCCCTGTGTACTATACCATGTTTGTTCATATACTGCAAGCCC[T>TGAAGAACCTCAAATG]GAAGAACCTCAAATGCTATACACAAAACCGTTGAACAGCTACAAAGAAAACAAAAAGTCA-3'

ClinVar aggregate classification (germline): Conflicting classifications of pathogenicity. Review status: criteria provided, conflicting classifications (1 of 4 stars). 2 submissions from 2 submitters: Likely pathogenic (1); Uncertain significance (1). Last evaluated 2025-09-10.

Conditions:
Hypotonia, infantile, with psychomotor retardation and characteristic facies 3 (IHPRF3). Also called: TBCK-Related Neurodevelopmental Disorder. Identifiers: Orphanet 488632, MedGen C5567480, MONDO:0014823, OMIM 616900.

Submissions (2):

Genomic Medicine Center of Excellence, King Faisal Specialist Hospital and Research Centre
Classification: Likely pathogenic for Hypotonia, infantile, with psychomotor retardation and characteristic facies 3. Last evaluated: 2025-09-10. Review status: criteria provided, single submitter. Criteria: ACMG Guidelines, 2015. Collection method: clinical testing. Allele origin: germline.

Labcorp Genetics (formerly Invitae), Labcorp
Classification: Uncertain significance. Last evaluated: 2023-12-12. Review status: criteria provided, single submitter. Criteria: Invitae Variant Classification Sherloc (09022015). Collection method: clinical testing. Allele origin: germline.
Comment: This variant, c.290_304dup, results in the insertion of 5 amino acid(s) of the TBCK protein (p.Leu101_Gln102insProPheGluValLeu), but otherwise preserves the integrity of the reading frame. This variant is not present in population databases (gnomAD no frequency). This variant has not been reported in the literature in individuals affected with TBCK-related conditions. Experimental studies and prediction algorithms are not available or were not evaluated, and the functional significance of this variant is currently unknown. In summary, the available evidence is currently insufficient to determine the role of this variant in disease. Therefore, it has been classified as a Variant of Uncertain Significance.